The following is an entry in ClinVar:

ClinVar aggregate classification (germline): Benign (0 of 4 stars; one submission).

Conditions:
DNAH17-related disorder. Also called: DNAH17-related condition.

Allele frequency attached by ClinVar (database versions not stated): gnomAD exomes 0.00074; ExAC 0.00225; ESP Exome Variant Server 0.00726; gnomAD 0.00800; TOPMed 0.00898; 1000 Genomes Project 0.00899; 1000 Genomes Project 30x 0.00906.
gnomAD v4.1: 2,349 of 1,613,392 alleles (0.15%); highest among the groups gnomAD compares: African/African-American, 2.8%; 40 homozygotes.

Submission:

PreventionGenetics, part of Exact Sciences
Classification: Benign for DNAH17-related condition. Last evaluated: 2019-03-25. Review status: no assertion criteria provided. Collection method: clinical testing. Allele origin: germline.
Comment: This variant is classified as benign based on ACMG/AMP sequence variant interpretation guidelines (Richards et al. 2015 PMID: 25741868, with internal and published modifications).

NM_173628.4(DNAH17):c.2726G>A (p.Gly909Glu)

Gene: DNAH17 (dynein axonemal heavy chain 17; minus strand). Cytogenetic location: 17q25.3.
Variant type: single nucleotide variant.
Coding change: c.2726G>A on transcript NM_173628.4 (MANE Select); coding-DNA position 2726, G replaced by A.
Protein change: p.Gly909Glu; replaces glycine 909 with glutamic acid.
Molecular consequence: missense variant.
Genome position (GRCh38, 1-based): chr17:78,537,432, C>T on the plus strand (G>A on the coding strand, the complement: DNAH17 is on the minus strand). VCF-style: chr17-78537432-C-T. GRCh37 (hg19) VCF-style: chr17-76533514-C-T.
Other names: short protein forms G909E.
Identifiers: ClinVar variation 3039331 (VCV003039331.2), dbSNP rs61741414, ClinGen allele CA8804506.
Genomic context (GRCh38, chr17:78,537,432, plus strand): 5'-TCGATCAGTGCCAGGAAGCCGCGATCTGAGCCCACCTCCAGGGTCGGGTTGAAGGTCAGC[C>T]CATCCTCGTCCAGCTCCATGCGGATCTCAAACAGGGGAGCGATACTCTCCTGAAAGAGGG-3'
Protein context (NP_775899.3, residues 899-919): FEIRMELDED[Gly909Glu]LTFNPTLEVG